The following is an entry in ClinVar:

ClinVar aggregate classification (germline): Pathogenic (1 of 4 stars; one submission).

Conditions:
Hereditary cancer-predisposing syndrome. Also called: Hereditary Cancer Syndrome; Neoplastic Syndromes, Hereditary; Hereditary neoplastic syndrome; Tumor predisposition. Identifiers: Orphanet 140162, MedGen C0027672, MeSH D009386, MONDO:0015356.

Submission:

Ambry Genetics
Classification: Pathogenic for Hereditary cancer-predisposing syndrome. Last evaluated: 2014-10-21. Review status: criteria provided, single submitter. Criteria: Ambry Variant Classification Scheme 2023. Collection method: clinical testing. Allele origin: germline.
Comment: The c.702delG pathogenic mutation, located in coding exon 7 of the RB1 gene, results from a deletion of one nucleotide at position 702, causing a translational frameshift with a predicted alternate stop codon. Since frameshifts are typically deleterious in nature, this alteration is interpreted as a disease-causing mutation (ACMG Recommendations for Standards for Interpretation and Reporting of Sequence Variations. Revision 2007. Genet Med. 2008;10:294).

NM_000321.3(RB1):c.702del (p.Leu234fs)

Gene: RB1 (RB transcriptional corepressor 1; plus strand). Cytogenetic location: 13q14.2.
Variant type: Deletion.
Coding change: c.702del on transcript NM_000321.3 (MANE Select); coding-DNA position 702, one base deleted (G; older notation c.702delG).
Protein change: p.Leu234fs; shifts the reading frame from leucine 234.
Molecular consequence: frameshift variant.
Genome position (GRCh38, 1-based): chr13:48,360,111, G deleted. VCF-style (leftmost placement, unchanged base first): chr13-48360110-TG-T. GRCh37 (hg19) VCF-style: chr13-48934246-TG-T.
Other names: c.702delG (NM_000321.2); short protein forms L234fs.
Identifiers: ClinVar variation 428700 (VCV000428700.5), dbSNP rs1131690878, ClinGen allele CA645369534.